The following is an entry in ClinVar:

NM_001080467.3(MYO5B):c.1979C>T (p.Pro660Leu)

Gene: MYO5B (myosin VB; minus strand). Cytogenetic location: 18q21.1.
Variant type: single nucleotide variant.
Coding change: c.1979C>T on transcript NM_001080467.3 (MANE Select); coding-DNA position 1979, C replaced by T.
Protein change: p.Pro660Leu; replaces proline 660 with leucine.
Molecular consequence: missense variant.
Genome position (GRCh38, 1-based): chr18:49,936,276, G>A on the plus strand (C>T on the coding strand, the complement: MYO5B is on the minus strand). VCF-style: chr18-49936276-G-A. GRCh37 (hg19) VCF-style: chr18-47462646-G-A.
Other names: short protein forms P660L.
Identifiers: ClinVar variation 4252 (VCV000004252.6), dbSNP rs121908106, ClinGen allele CA116746.

ClinVar aggregate classification (germline): Pathogenic. Review status: criteria provided, single submitter (1 of 4 stars). 2 submissions from 2 submitters: Pathogenic (1). 1 of the submissions does not count toward it. Last evaluated 2023-02-27.

Conditions:
Congenital microvillous atrophy (DIAR2). Also called: CONGENITAL FAMILIAL PROTRACTED DIARRHEA WITH ENTEROCYTE BRUSH-BORDER ABNORMALITIES; DAVIDSON DISEASE; MICROVILLUS ATROPHY, CONGENITAL; Microvillus inclusion disease; Diarrhea 2 with microvillus atrophy, with or without cholestasis. Identifiers: Orphanet 2290, MedGen C0341306, MONDO:0009635, OMIM 251850.

Allele frequency attached by ClinVar (database versions not stated): gnomAD exomes below 0.00001.
gnomAD v4.1: 2 of 1,602,232 alleles (0.00012%); highest among the groups gnomAD compares: Admixed American, 0.0034%; no homozygotes.

Submissions (2):

Labcorp Genetics (formerly Invitae), Labcorp
Classification: Pathogenic. Last evaluated: 2023-02-27. Review status: criteria provided, single submitter. Criteria: Invitae Variant Classification Sherloc (09022015). Collection method: clinical testing. Allele origin: germline.
Comment: For these reasons, this variant has been classified as Pathogenic. Experimental studies have shown that this missense change affects MYO5B function (PMID: 29218485, 31750554). Advanced modeling of protein sequence and biophysical properties (such as structural, functional, and spatial information, amino acid conservation, physicochemical variation, residue mobility, and thermodynamic stability) performed at Invitae indicates that this missense variant is expected to disrupt MYO5B protein function. ClinVar contains an entry for this variant (Variation ID: 4252). This missense change has been observed in individual(s) with microvillous inclusion disease (MVID) (PMID: 19006234). It is commonly reported in individuals of Navajo ancestry (PMID: 19006234, 29218485). The frequency data for this variant in the population databases is considered unreliable, as metrics indicate poor data quality at this position in the gnomAD database. This sequence change replaces proline, which is neutral and non-polar, with leucine, which is neutral and non-polar, at codon 660 of the MYO5B protein (p.Pro660Leu).

OMIM
Classification: Pathogenic for DIARRHEA 2, WITH MICROVILLUS ATROPHY. Last evaluated: 2008-12-15. Review status: no assertion criteria provided. Collection method: literature only. Allele origin: germline. Not counted in ClinVar's aggregate classification.

Literature cited by the submitters: PubMed 29218485 (cited by Labcorp Genetics (formerly Invitae), Labcorp); PubMed 31750554 (cited by Labcorp Genetics (formerly Invitae), Labcorp); PubMed 19006234 (cited by Labcorp Genetics (formerly Invitae), Labcorp and OMIM); PubMed 21206382 (cited by OMIM).